The following is an entry in ClinVar:

ClinVar aggregate classification (germline): Benign (0 of 4 stars; one submission).

Conditions:
PPRC1-related disorder. Also called: PPRC1-related condition.

Allele frequency attached by ClinVar (database versions not stated): ESP Exome Variant Server 0.00392; gnomAD 0.01805; TOPMed 0.02238; ExAC 0.03246; 1000 Genomes Project 30x 0.05903; 1000 Genomes Project 0.06330.
gnomAD v4.1: 22,301 of 1,614,220 alleles (1.4%); highest among the groups gnomAD compares: East Asian, 19%; 1,296 homozygotes.

Submission:

PreventionGenetics, part of Exact Sciences
Classification: Benign for PPRC1-related condition. Last evaluated: 2019-04-03. Review status: no assertion criteria provided. Collection method: clinical testing. Allele origin: germline.
Comment: This variant is classified as benign based on ACMG/AMP sequence variant interpretation guidelines (Richards et al. 2015 PMID: 25741868, with internal and published modifications).

NM_015062.5(PPRC1):c.1606A>G (p.Ser536Gly)

Gene: PPRC1 (PPARG related coactivator 1; plus strand). Cytogenetic location: 10q24.32.
Variant type: single nucleotide variant.
Coding change: c.1606A>G on transcript NM_015062.5 (MANE Select); coding-DNA position 1606, A replaced by G.
Protein change: p.Ser536Gly; replaces serine 536 with glycine.
Molecular consequence: missense variant.
Genome position (GRCh38, 1-based): chr10:102,140,114, A>G. VCF-style: chr10-102140114-A-G. GRCh37 (hg19) VCF-style: chr10-103899871-A-G.
Other names: c.1606A>G, p.Ser536Gly (NM_001288727.2); c.1246A>G, p.Ser416Gly (NM_001288728.2); short protein forms S416G, S536G.
Identifiers: ClinVar variation 3057089 (VCV003057089.2), dbSNP rs17114388, ClinGen allele CA5660888.
Genomic context (GRCh38, chr10:102,140,114, plus strand): 5'-CAGGGTAAGGGGAAGCCCCGGGCTTGGGCTCGGGCCTGGGCAGCTGCCTTGGAGAATTCT[A>G]GCCCTAAGAACTTGGAGAGAAGTGCTGGACAAAGTAGTCCTGCTAAAGAAGGCCCTCTAG-3'
Protein context (NP_055877.3, residues 526-546): RAWAAALENS[Ser536Gly]PKNLERSAGQ